The following is an entry in ClinVar:

NM_139027.6(ADAMTS13):c.1786+6T>C

Gene: ADAMTS13 (ADAM metallopeptidase with thrombospondin type 1 motif 13; plus strand). Cytogenetic location: 9q34.2.
Variant type: single nucleotide variant.
Coding change: c.1786+6T>C on transcript NM_139027.6 (MANE Select); 6 bases into the intron after coding-DNA position 1786, T replaced by C.
Molecular consequence: intron variant.
Genome position (GRCh38, 1-based): chr9:133,439,452, T>C. VCF-style: chr9-133439452-T-C. GRCh37 (hg19) VCF-style: chr9-136304573-T-C.
Other names: c.1786+6T>C (NM_139025.5); c.1693+6T>C (NM_139026.6).
Identifiers: ClinVar variation 2428091 (VCV002428091.6), dbSNP rs587614753, ClinGen allele CA200931618.

ClinVar aggregate classification (germline): Uncertain significance (1 of 4 stars; one submission).

Allele frequency attached by ClinVar (database versions not stated): gnomAD 0.00005; gnomAD exomes 0.00008; ExAC 0.00016; 1000 Genomes Project 30x 0.00031; 1000 Genomes Project 0.00040.
gnomAD v4.1: 120 of 1,611,840 alleles (0.0074%); highest among the groups gnomAD compares: South Asian, 0.13%; 2 homozygotes.

Submission:

Labcorp Genetics (formerly Invitae), Labcorp
Classification: Uncertain significance. Last evaluated: 2022-03-11. Review status: criteria provided, single submitter. Criteria: Invitae Variant Classification Sherloc (09022015). Collection method: clinical testing. Allele origin: germline.
Comment: This variant is present in population databases (rs587614753, gnomAD 0.1%), including at least one homozygous and/or hemizygous individual. This sequence change falls in intron 15 of the ADAMTS13 gene. It does not directly change the encoded amino acid sequence of the ADAMTS13 protein. It affects a nucleotide within the consensus splice site. This variant has not been reported in the literature in individuals affected with ADAMTS13-related conditions. In summary, the available evidence is currently insufficient to determine the role of this variant in disease. Therefore, it has been classified as a Variant of Uncertain Significance. Variants that disrupt the consensus splice site are a relatively common cause of aberrant splicing (PMID: 17576681, 9536098). Algorithms developed to predict the effect of sequence changes on RNA splicing suggest that this variant may disrupt the consensus splice site.

Literature cited by the submitters: PubMed 17576681; PubMed 9536098.